The following is an entry in ClinVar:

NM_001378454.1(ALMS1):c.7907A>C (p.Asn2636Thr)

Gene: ALMS1 (ALMS1 centrosome and basal body associated protein; plus strand). Cytogenetic location: 2p13.1.
Variant type: single nucleotide variant.
Coding change: c.7907A>C on transcript NM_001378454.1 (MANE Select); coding-DNA position 7907, A replaced by C.
Protein change: p.Asn2636Thr; replaces asparagine 2636 with threonine.
Molecular consequence: missense variant.
Genome position (GRCh38, 1-based): chr2:73,489,866, A>C. VCF-style: chr2-73489866-A-C. GRCh37 (hg19) VCF-style: chr2-73716993-A-C.
Other names: c.7910A>C, p.Asn2637Thr (NM_015120.4); short protein forms N2637T, N2636T.
Identifiers: ClinVar variation 2449606 (VCV002449606.2), dbSNP rs764596843, ClinGen allele CA1714369.

ClinVar aggregate classification (germline): Uncertain significance (1 of 4 stars; one submission).

Conditions:
Cardiovascular phenotype. Identifiers: MedGen CN230736.

Allele frequency attached by ClinVar (database versions not stated): ExAC 0.00001.
gnomAD v4.1: 30 of 1,614,196 alleles (0.0019%); highest among the groups gnomAD compares: Non-Finnish European, 0.0024%; no homozygotes.

Submission:

Ambry Genetics
Classification: Uncertain significance for Cardiovascular phenotype. Last evaluated: 2023-02-24. Review status: criteria provided, single submitter. Criteria: Ambry Variant Classification Scheme 2023. Collection method: clinical testing. Allele origin: germline.
Comment: The p.N2637T variant (also known as c.7910A>C), located in coding exon 10 of the ALMS1 gene, results from an A to C substitution at nucleotide position 7910. The asparagine at codon 2637 is replaced by threonine, an amino acid with similar properties. This amino acid position is not well conserved in available vertebrate species. In addition, this alteration is predicted to be tolerated by in silico analysis. Since supporting evidence is limited at this time, the clinical significance of this alteration remains unclear.